The following is an entry in ClinVar:

ClinVar aggregate classification (germline): Likely benign. Review status: criteria provided, multiple submitters, no conflicts (2 of 4 stars). 3 submissions from 3 submitters: Likely benign (2). 1 of the submissions does not count toward it. Last evaluated 2026-01-24.

Conditions:
DDC-related disorder. Also called: DDC-related condition.
Deficiency of aromatic-L-amino-acid decarboxylase. Also called: Aromatic L-Amino Acid Decarboxylase Deficiency; AADC DEFICIENCY; DDC DEFICIENCY; DOPA DECARBOXYLASE DEFICIENCY; Aromatic amino acid decarboxylase deficiency. Identifiers: Orphanet 35708, MedGen C1291564, MONDO:0012084, OMIM 608643.

Allele frequency attached by ClinVar (database versions not stated): gnomAD 0.00002 and 0.00004; ExAC 0.00003; gnomAD exomes 0.00003 and 0.00007; TOPMed 0.00003; 1000 Genomes Project 30x 0.00016; 1000 Genomes Project 0.00020.
gnomAD v4.1: 47 of 1,613,982 alleles (0.0029%); highest among the groups gnomAD compares: East Asian, 0.04%; 1 homozygote.

Submissions (3):

Labcorp Genetics (formerly Invitae), Labcorp
Classification: Likely benign for Deficiency of aromatic-L-amino-acid decarboxylase. Last evaluated: 2026-01-24. Review status: criteria provided, single submitter. Criteria: Invitae Variant Classification Sherloc (09022015). Collection method: clinical testing. Allele origin: germline.

Blueprint Genetics
Classification: Likely benign. Last evaluated: 2024-09-23. Review status: criteria provided, single submitter. Criteria: ACMG Guidelines, 2015. Collection method: clinical testing. Allele origin: germline.

PreventionGenetics, part of Exact Sciences
Classification: Likely benign for DDC-related condition. Last evaluated: 2019-09-10. Review status: no assertion criteria provided. Collection method: clinical testing. Allele origin: germline. Not counted in ClinVar's aggregate classification.
Comment: This variant is classified as likely benign based on ACMG/AMP sequence variant interpretation guidelines (Richards et al. 2015 PMID: 25741868, with internal and published modifications).

NM_001082971.2(DDC):c.261G>A (p.Pro87=)

Genes: DDC (dopa decarboxylase; minus strand), DDC-AS1 (DDC antisense RNA 1; plus strand). Cytogenetic location: 7p12.1.
Variant type: single nucleotide variant.
Coding change: c.261G>A on transcript NM_001082971.2 (MANE Select); coding-DNA position 261, G replaced by A.
Protein change: p.Pro87=; no amino-acid change (proline 87 retained).
Molecular consequence: synonymous variant. On other transcripts: non-coding transcript variant (1), intron variant (2).
Genome position (GRCh38, 1-based): chr7:50,539,969, C>T on the plus strand (G>A on the coding strand, the complement: DDC is on the minus strand). VCF-style: chr7-50539969-C-T. GRCh37 (hg19) VCF-style: chr7-50607667-C-T.
Other names: c.261G>A, p.Pro87= (NM_000790.4, NM_001242887.2, NM_001242889.2 and 1 more transcripts); c.201+3916G>A (NM_001242888.2); c.202-1990G>A (NM_001242886.2); c.261G>A (NM_000790.3).
Identifiers: ClinVar variation 1580721 (VCV001580721.11), dbSNP rs200437940, ClinGen allele CA4262431.